The following is an entry in ClinVar:

NM_001267550.2(TTN):c.70231G>A (p.Gly23411Ser)

Genes: TTN (titin; minus strand), TTN-AS1 (TTN antisense RNA 1; plus strand), LOC126806422 (BRD4-independent group 4 enhancer GRCh37_chr2:179440205-179441404; plus strand). Cytogenetic location: 2q31.2.
Variant type: single nucleotide variant.
Coding change: c.70231G>A on transcript NM_001267550.2 (MANE Select); coding-DNA position 70231, G replaced by A.
Protein change: p.Gly23411Ser; replaces glycine 23411 with serine.
Molecular consequence: missense variant.
Genome position (GRCh38, 1-based): chr2:178,575,901, C>T on the plus strand (G>A on the coding strand, the complement: TTN is on the minus strand). VCF-style: chr2-178575901-C-T. GRCh37 (hg19) VCF-style: chr2-179440628-C-T.
Other names: c.65308G>A, p.Gly21770Ser (NM_001256850.1); c.43036G>A, p.Gly14346Ser (NM_003319.4); c.62527G>A, p.Gly20843Ser (NM_133378.4); c.43411G>A, p.Gly14471Ser (NM_133432.3); c.43612G>A, p.Gly14538Ser (NM_133437.4); c.70231G>A (NM_001267550.1); short protein forms G23411S, G20843S, G21770S, G14346S, G14538S, G14471S.
Identifiers: ClinVar variation 282288 (VCV000282288.15), dbSNP rs767075037, ClinGen allele CA1990820.

ClinVar aggregate classification (germline): Conflicting classifications of pathogenicity. Review status: criteria provided, conflicting classifications (1 of 4 stars). 7 submissions from 7 submitters: Uncertain significance (6); Likely benign (1). Last evaluated 2024-07-24.

Conditions:
Cardiovascular phenotype. Identifiers: MedGen CN230736.
Cardiomyopathy (CMYO). Also called: Cardiomyopathies. Identifiers: Orphanet 167848, MedGen C0878544, MONDO:0004994, HP:0001638. Inheritance: Various modes of inheritance.

Allele frequency attached by ClinVar (database versions not stated): ExAC 0.00001; TOPMed 0.00001; gnomAD 0.00001; gnomAD exomes 0.00001.
gnomAD v4.1: 15 of 1,613,384 alleles (0.00093%); highest among the groups gnomAD compares: Admixed American, 0.0017%; no homozygotes.

Submissions (7):

Blueprint Genetics
Classification: Likely benign. Last evaluated: 2024-07-24. Review status: criteria provided, single submitter. Criteria: ACMG Guidelines, 2015. Collection method: clinical testing. Allele origin: germline.

GeneDx
Classification: Uncertain significance. Last evaluated: 2023-09-26. Review status: criteria provided, single submitter. Criteria: GeneDx Variant Classification Process June 2021. Collection method: clinical testing. Allele origin: germline. Affected: yes.
Comment: Not observed at significant frequency in large population cohorts (gnomAD); Missense variant in a gene in which most reported pathogenic variants are truncating/loss of function; Has not been previously published as pathogenic or benign to our knowledge

AiLife Diagnostics
Classification: Uncertain significance. Last evaluated: 2022-02-10. Review status: criteria provided, single submitter. Criteria: ACMG Guidelines, 2015. Collection method: clinical testing. Allele origin: germline. Affected: yes. Observed: 1 variant allele.

Revvity Omics, Revvity
Classification: Uncertain significance. Last evaluated: 2019-10-22. Review status: criteria provided, single submitter. Criteria: ACMG Guidelines, 2015. Collection method: clinical testing. Allele origin: germline.

Ambry Genetics
Classification: Uncertain significance for Cardiovascular phenotype. Last evaluated: 2018-12-19. Review status: criteria provided, single submitter. Criteria: Ambry Variant Classification Scheme 2023. Collection method: clinical testing. Allele origin: germline.
Comment: The p.G14346S variant (also known as c.43036G>A), located in coding exon 153 of the TTN gene, results from a G to A substitution at nucleotide position 43036. The glycine at codon 14346 is replaced by serine, an amino acid with similar properties. This amino acid position is highly conserved in available vertebrate species. In addition, the in silico prediction for this alteration is inconclusive. Since supporting evidence is limited at this time, the clinical significance of this alteration remains unclear.

CHEO Genetics Diagnostic Laboratory, Children's Hospital of Eastern Ontario
Classification: Uncertain significance for Cardiomyopathy. Last evaluated: 2015-09-11. Review status: criteria provided, single submitter. Criteria: ACMG Guidelines, 2015. Collection method: clinical testing. Allele origin: germline. Study: Canadian Open Genetics Repository.

Eurofins Ntd Llc (ga)
Classification: Uncertain significance. Last evaluated: 2015-08-06. Review status: criteria provided, single submitter. Criteria: EGL Classification Definitions 2015. Collection method: clinical testing. Allele origin: germline. Observed: 1 variant allele, 1 heterozygote.